The following is an entry in ClinVar:

ClinVar aggregate classification (germline): Uncertain significance (1 of 4 stars; one submission).

Submission:

GeneDx
Classification: Uncertain significance. Last evaluated: 2024-10-31. Review status: criteria provided, single submitter. Criteria: GeneDx Variant Classification Process June 2021. Collection method: clinical testing. Allele origin: germline. Affected: yes.
Comment: Not observed at significant frequency in large population cohorts (gnomAD); In silico analysis supports that this missense variant has a deleterious effect on protein structure/function; Has not been previously published as pathogenic or benign to our knowledge

NM_005027.4(PIK3R2):c.1417G>A (p.Glu473Lys)

Gene: PIK3R2 (phosphoinositide-3-kinase regulatory subunit 2; plus strand). Cytogenetic location: 19p13.11.
Variant type: single nucleotide variant.
Coding change: c.1417G>A on transcript NM_005027.4 (MANE Select); coding-DNA position 1417, G replaced by A.
Protein change: p.Glu473Lys; replaces glutamic acid 473 with lysine.
Molecular consequence: missense variant. On other transcripts: non-coding transcript variant (2).
Genome position (GRCh38, 1-based): chr19:18,166,160, G>A. VCF-style: chr19-18166160-G-A. GRCh37 (hg19) VCF-style: chr19-18276970-G-A.
Other names: short protein forms E473K.
Identifiers: ClinVar variation 3897478 (VCV003897478.1).
Genomic context (GRCh38, chr19:18,166,160, plus strand): 5'-CCCCTCACGAGGGCCTTTTGGGGAGTCCCAGGAGGTGCTGAGCTGCGCCCCCTCCTCCAG[G>A]AGCTGCAGATGAAGCGTACTGCAATTGAGGCCTTCAATGAGACTATCAAGATCTTTGAAG-3'
Protein context (NP_005018.2, residues 463-483): LYEEYTRTSQ[Glu473Lys]LQMKRTAIEA